The following is an entry in ClinVar:

ClinVar aggregate classification (germline): Pathogenic (1 of 4 stars; one submission).

Conditions:
GM1 gangliosidosis. Identifiers: Orphanet 354, MedGen C0085131, MONDO:0018149.
Mucopolysaccharidosis, MPS-IV-B (MPS4B). Also called: MORQUIO SYNDROME B; Mucopolysaccharidosis type IV B; Mucopolysaccharidosis Type IVB; Mucopolysaccharidosis type 4B; Mucopolysaccharidosis type IVB (Morquio); MPS IVB. Identifiers: Orphanet 309310, Orphanet 582, MedGen C0086652, MONDO:0009660, OMIM 253010.

Submission:

Labcorp Genetics (formerly Invitae), Labcorp
Classification: Pathogenic for Mucopolysaccharidosis, MPS-IV-B; GM1 gangliosidosis. Last evaluated: 2023-02-01. Review status: criteria provided, single submitter. Criteria: Invitae Variant Classification Sherloc (09022015). Collection method: clinical testing. Allele origin: unknown.
Comment: For these reasons, this variant has been classified as Pathogenic. A similar copy number variant has been observed in individual(s) with GM1 gangliosidosis (PMID: 17309651). This variant is a gross deletion of the genomic region encompassing exon(s) 5 of the GLB1 gene. This deletion is out-of-frame, and is expected to create a premature termination codon and result in an absent or disrupted protein product. Loss-of-function variants in GLB1 are known to be pathogenic (PMID: 18524657).

Literature cited by the submitters: PubMed 17309651; PubMed 18524657.

NC_000003.11:g.(?_33106935)_(33107069_?)del

Gene: GLB1 (galactosidase beta 1; minus strand). Cytogenetic location: 3p22.3.
Variant type: Deletion.
Identifiers: ClinVar variation 3246844 (VCV003246844.1).